The following is an entry in ClinVar:

ClinVar aggregate classification (germline): Uncertain significance (1 of 4 stars; one submission).

Allele frequency attached by ClinVar (database versions not stated): gnomAD exomes below 0.00001; ExAC 0.00001.
gnomAD v4.1: 5 of 1,608,534 alleles (0.00031%); highest among the groups gnomAD compares: South Asian, 0.0011%; no homozygotes.

Submission:

Labcorp Genetics (formerly Invitae), Labcorp
Classification: Uncertain significance. Last evaluated: 2024-01-07. Review status: criteria provided, single submitter. Criteria: Invitae Variant Classification Sherloc (09022015). Collection method: clinical testing. Allele origin: germline.
Comment: This sequence change replaces alanine, which is neutral and non-polar, with valine, which is neutral and non-polar, at codon 560 of the PACS2 protein (p.Ala560Val). The frequency data for this variant in the population databases is considered unreliable, as metrics indicate poor data quality at this position in the gnomAD database. This variant has not been reported in the literature in individuals affected with PACS2-related conditions. Advanced modeling of protein sequence and biophysical properties (such as structural, functional, and spatial information, amino acid conservation, physicochemical variation, residue mobility, and thermodynamic stability) performed at Invitae indicates that this missense variant is not expected to disrupt PACS2 protein function with a negative predictive value of 80%. In summary, the available evidence is currently insufficient to determine the role of this variant in disease. Therefore, it has been classified as a Variant of Uncertain Significance.

NM_001100913.3(PACS2):c.1679C>T (p.Ala560Val)

Gene: PACS2 (phosphofurin acidic cluster sorting protein 2; plus strand). Cytogenetic location: 14q32.33.
Variant type: single nucleotide variant.
Coding change: c.1679C>T on transcript NM_001100913.3 (MANE Select); coding-DNA position 1679, C replaced by T.
Protein change: p.Ala560Val; replaces alanine 560 with valine.
Molecular consequence: missense variant.
Genome position (GRCh38, 1-based): chr14:105,383,412, C>T. VCF-style: chr14-105383412-C-T. GRCh37 (hg19) VCF-style: chr14-105849749-C-T.
Other names: c.1442C>T, p.Ala481Val (NM_001243127.3); c.1667C>T, p.Ala556Val (NM_015197.4); short protein forms A481V, A556V, A560V.
Identifiers: ClinVar variation 2806401 (VCV002806401.3), dbSNP rs782500261, ClinGen allele CA7388958.